The following is an entry in ClinVar:

ClinVar aggregate classification (germline): Uncertain significance (1 of 4 stars; one submission).

Conditions:
KANK4-related disorder. Also called: KANK4-related condition.

Allele frequency attached by ClinVar (database versions not stated): gnomAD exomes below 0.00001.
gnomAD v4.1: 2 of 1,614,080 alleles (0.00012%); highest among the groups gnomAD compares: Non-Finnish European, 0.00017%; no homozygotes.

Submission:

PreventionGenetics, part of Exact Sciences
Classification: Uncertain significance for KANK4-related condition. Last evaluated: 2023-03-12. Review status: criteria provided, single submitter. Criteria: ACMG Guidelines, 2015. Collection method: clinical testing. Allele origin: germline.
Comment: The KANK4 c.545T>A variant is predicted to result in the amino acid substitution p.Leu182Gln. To our knowledge, this variant has not been reported in the literature or in a large population database, indicating this variant is rare. At this time, the clinical significance of this variant is uncertain due to the absence of conclusive functional and genetic evidence.

NM_181712.5(KANK4):c.545T>A (p.Leu182Gln)

Gene: KANK4 (KN motif and ankyrin repeat domains 4; minus strand). Cytogenetic location: 1p31.3.
Variant type: single nucleotide variant.
Coding change: c.545T>A on transcript NM_181712.5 (MANE Select); coding-DNA position 545, T replaced by A.
Protein change: p.Leu182Gln; replaces leucine 182 with glutamine.
Molecular consequence: missense variant. On other transcripts: intron variant (1).
Genome position (GRCh38, 1-based): chr1:62,274,559, A>T on the plus strand (T>A on the coding strand, the complement: KANK4 is on the minus strand). VCF-style: chr1-62274559-A-T. GRCh37 (hg19) VCF-style: chr1-62740231-A-T.
Other names: c.17-2970T>A (NM_001320269.2); short protein forms L182Q.
Identifiers: ClinVar variation 2633780 (VCV002633780.1), dbSNP rs922339408, ClinGen allele CA23696848.